The following is an entry in ClinVar:

ClinVar aggregate classification (germline): Likely pathogenic (1 of 4 stars; one submission).

Allele frequency attached by ClinVar (database versions not stated): gnomAD exomes below 0.00001.
gnomAD v4.1: 5 of 1,613,892 alleles (0.00031%); highest among the groups gnomAD compares: South Asian, 0.0044%; no homozygotes.

Submission:

Labcorp Genetics (formerly Invitae), Labcorp
Classification: Likely pathogenic. Last evaluated: 2023-09-08. Review status: criteria provided, single submitter. Criteria: Invitae Variant Classification Sherloc (09022015). Collection method: clinical testing. Allele origin: germline.
Comment: In summary, the currently available evidence indicates that the variant is pathogenic, but additional data are needed to prove that conclusively. Therefore, this variant has been classified as Likely Pathogenic. This variant disrupts the p.Leu858 amino acid residue in SLC12A3. Other variant(s) that disrupt this residue have been determined to be pathogenic (PMID: 15069170, 21628937, 21757836, 26041598, 26770037). This suggests that this residue is clinically significant, and that variants that disrupt this residue are likely to be disease-causing. Advanced modeling of protein sequence and biophysical properties (such as structural, functional, and spatial information, amino acid conservation, physicochemical variation, residue mobility, and thermodynamic stability) performed at Invitae indicates that this missense variant is expected to disrupt SLC12A3 protein function. This missense change has been observed in individual(s) with clinical features of Gitelman syndrome (PMID: 22009145). This variant is not present in population databases (gnomAD no frequency). This sequence change replaces leucine, which is neutral and non-polar, with phenylalanine, which is neutral and non-polar, at codon 858 of the SLC12A3 protein (p.Leu858Phe).

Literature cited by the submitters: PubMed 15069170; PubMed 21628937; PubMed 21757836; PubMed 26041598; PubMed 26770037; PubMed 22009145.

NM_001126108.2(SLC12A3):c.2545C>T (p.Leu849Phe)

Gene: SLC12A3 (solute carrier family 12 member 3; plus strand). Cytogenetic location: 16q13.
Variant type: single nucleotide variant.
Coding change: c.2545C>T on transcript NM_001126108.2 (MANE Select); coding-DNA position 2545, C replaced by T.
Protein change: p.Leu849Phe; replaces leucine 849 with phenylalanine.
Molecular consequence: missense variant.
Genome position (GRCh38, 1-based): chr16:56,894,554, C>T. VCF-style: chr16-56894554-C-T. GRCh37 (hg19) VCF-style: chr16-56928466-C-T.
Other names: c.2572C>T, p.Leu858Phe (NM_000339.3); c.2569C>T, p.Leu857Phe (NM_001126107.2); c.2542C>T, p.Leu848Phe (NM_001410896.1); short protein forms L848F, L849F, L857F, L858F.
Identifiers: ClinVar variation 2736354 (VCV002736354.3), dbSNP rs2543542397, ClinGen allele CA395997319.